The following is an entry in ClinVar:

ClinVar aggregate classification (germline): Conflicting classifications of pathogenicity. Review status: criteria provided, conflicting classifications (1 of 4 stars). 2 submissions from 2 submitters: Uncertain significance (1); Likely benign (1). Last evaluated 2026-01-17.

Conditions:
Hereditary cancer-predisposing syndrome. Also called: Hereditary neoplastic syndrome; Hereditary Cancer Syndrome; Neoplastic Syndromes, Hereditary; Tumor predisposition. Identifiers: Orphanet 140162, MedGen C0027672, MeSH D009386, MONDO:0015356.
Hereditary nonpolyposis colorectal neoplasms. Identifiers: MedGen C0009405, MeSH D003123.

Allele frequency attached by ClinVar (database versions not stated): ExAC 0.00001.

Submissions (2):

Labcorp Genetics (formerly Invitae), Labcorp
Classification: Likely benign for Hereditary nonpolyposis colorectal neoplasms. Last evaluated: 2026-01-17. Review status: criteria provided, single submitter. Criteria: Invitae Variant Classification Sherloc (09022015). Collection method: clinical testing. Allele origin: germline.

Ambry Genetics
Classification: Uncertain significance for Hereditary cancer-predisposing syndrome. Last evaluated: 2025-09-30. Review status: criteria provided, single submitter. Criteria: Ambry Variant Classification Scheme 2023. Collection method: clinical testing. Allele origin: germline.
Comment: The p.S219N variant (also known as c.656G>A), located in coding exon 4 of the MSH6 gene, results from a G to A substitution at nucleotide position 656. The serine at codon 219 is replaced by asparagine, an amino acid with highly similar properties. This amino acid position is conserved. In addition, this alteration is predicted to be tolerated by in silico analysis. Based on the available evidence, the clinical significance of this variant remains unclear.

NM_000179.3(MSH6):c.656G>A (p.Ser219Asn)

Gene: MSH6 (mutS homolog 6; plus strand). Cytogenetic location: 2p16.3.
Variant type: single nucleotide variant.
Coding change: c.656G>A on transcript NM_000179.3 (MANE Select); coding-DNA position 656, G replaced by A.
Protein change: p.Ser219Asn; replaces serine 219 with asparagine.
Molecular consequence: missense variant. On other transcripts: 5 prime UTR variant (9), non-coding transcript variant (4), intron variant (1).
Genome position (GRCh38, 1-based): chr2:47,798,639, G>A. VCF-style: chr2-47798639-G-A. GRCh37 (hg19) VCF-style: chr2-48025778-G-A.
Other names: c.266G>A, p.Ser89Asn (NM_001281492.2); c.-251G>A (NM_001281493.2, NM_001281494.2, NM_001406811.1 and 6 more transcripts); c.752G>A, p.Ser251Asn (NM_001406795.1, NM_001406802.1); c.656G>A, p.Ser219Asn (NM_001406796.1, NM_001406798.1, NM_001406800.1 and 4 more transcripts); c.359G>A, p.Ser120Asn (NM_001406797.1, NM_001406801.1, NM_001406805.1 and 10 more transcripts); c.131G>A, p.Ser44Asn (NM_001406799.1, NM_001406806.1, NM_001406807.1); c.578G>A, p.Ser193Asn (NM_001406804.1); c.662G>A, p.Ser221Asn (NM_001406813.1); and 2 more; short protein forms S221N, S120N, S219N, S163N, S44N, S193N, S251N, S89N.
Identifiers: ClinVar variation 2567457 (VCV002567457.4), dbSNP rs763060788, ClinGen allele CA073307.